The following is an entry in ClinVar:

NM_000127.3(EXT1):c.437C>T (p.Ser146Leu)

Gene: EXT1 (exostosin glycosyltransferase 1; minus strand). Cytogenetic location: 8q24.11.
Variant type: single nucleotide variant.
Coding change: c.437C>T on transcript NM_000127.3 (MANE Select); coding-DNA position 437, C replaced by T.
Protein change: p.Ser146Leu; replaces serine 146 with leucine.
Molecular consequence: missense variant.
Genome position (GRCh38, 1-based): chr8:118,110,610, G>A on the plus strand (C>T on the coding strand, the complement: EXT1 is on the minus strand). VCF-style: chr8-118110610-G-A. GRCh37 (hg19) VCF-style: chr8-119122849-G-A.
Other names: short protein forms S146L.
Identifiers: ClinVar variation 4763119 (VCV004763119.1).

ClinVar aggregate classification (germline): Uncertain significance (1 of 4 stars; one submission).

Conditions:
Multiple congenital exostosis (EXT). Also called: Multiple osteochondromas; MULTIPLE CARTILAGINOUS EXOSTOSES; Hereditary multiple osteochondromas; Hereditary multiple exostoses; Hereditary multiple exostosis; Multiple exostoses. Identifiers: Orphanet 321, MedGen C0015306, MONDO:0005508, HP:0002762.

gnomAD v4.1: 3 of 1,614,208 alleles (0.00019%); highest among the groups gnomAD compares: Middle Eastern, 0.016%; no homozygotes.

Submission:

Labcorp Genetics (formerly Invitae), Labcorp
Classification: Uncertain significance for Multiple congenital exostosis. Last evaluated: 2025-06-05. Review status: criteria provided, single submitter. Criteria: Invitae Variant Classification Sherloc (09022015). Collection method: clinical testing. Allele origin: germline.
Comment: This sequence change replaces serine, which is neutral and polar, with leucine, which is neutral and non-polar, at codon 146 of the EXT1 protein (p.Ser146Leu). This variant is not present in population databases (gnomAD no frequency). This variant has not been reported in the literature in individuals affected with EXT1-related conditions. Invitae Evidence Modeling of protein sequence and biophysical properties (such as structural, functional, and spatial information, amino acid conservation, physicochemical variation, residue mobility, and thermodynamic stability) indicates that this missense variant is not expected to disrupt EXT1 protein function with a negative predictive value of 80%. In summary, the available evidence is currently insufficient to determine the role of this variant in disease. Therefore, it has been classified as a Variant of Uncertain Significance.